The following is an entry in ClinVar:

ClinVar aggregate classification (germline): Uncertain significance. Review status: criteria provided, multiple submitters, no conflicts (2 of 4 stars). 2 submissions from 2 submitters: Uncertain significance (2). Last evaluated 2025-10-06.

Conditions:
Pseudopseudohypoparathyroidism (PPHP). Also called: ALBRIGHT HEREDITARY OSTEODYSTROPHY WITHOUT MULTIPLE HORMONE RESISTANCE; Pseudopseudohypoparathyroidism (PPHP). Identifiers: Orphanet 79445, MedGen C0033835, MONDO:0012912, OMIM 612463.
Pituitary adenoma 3, multiple types. Also called: PITUITARY ADENOMA 3, ACTH-SECRETING, SOMATIC; PITUITARY ADENOMA 3, GROWTH HORMONE-SECRETING, SOMATIC. Identifiers: MedGen C4540135, MONDO:0054665, OMIM 617686.
ACTH-independent macronodular adrenal hyperplasia 1 (AIMAH1). Also called: ACTH-INDEPENDENT MACRONODULAR ADRENOCORTICAL HYPERPLASIA; CUSHING SYNDROME, ADRENAL, DUE TO AIMAH; ACTH-independent macronodular adrenal hyperplasia, somatic; CORTICOTROPIN-INDEPENDENT MACRONODULAR ADRENAL HYPERPLASIA; ADRENOCORTICOTROPIC HORMONE-INDEPENDENT MACRONODULAR ADRENAL HYPERPLASIA. Identifiers: MedGen C1857451, MONDO:0020735, OMIM 219080.
Pseudohypoparathyroidism type 1C (PHP1C). Also called: PSEUDOHYPOPARATHYROIDISM, TYPE IC; PHP IC; Pseudohypoparathyroidism Ic (PHP-Ic). Identifiers: Orphanet 79444, MedGen C2932716, MONDO:0012911, OMIM 612462.
Pseudohypoparathyroidism type 1B (PHP1B). Also called: PHP IB; Pseudohypoparathyroidism Type IB; Pseudohypoparathyroidism Ib (PHP-Ib). Identifiers: Orphanet 94089, MedGen C1864100, MONDO:0011301, OMIM 603233.
McCune-Albright syndrome (MAS). Also called: ALBRIGHT SYNDROME; Albright's Syndrome; Albright's disease; Fibrous Dysplasia / McCune-Albright Syndrome; McCune-Albright syndrome, somatic, mosaic. Identifiers: Orphanet 562, MedGen C0242292, MONDO:0018919, OMIM 174800.
Progressive osseous heteroplasia (POH). Also called: Osseus Heteroplasia, Progressive; ECTOPIC OSSIFICATION, FAMILIAL; Osteoma cutis; Progressive Osseus Heteroplasia (POH). Identifiers: Orphanet 2762, MedGen C0334041, MONDO:0008153, OMIM 166350, HP:0025027.
Pseudohypoparathyroidism type I A (PHP1A). Also called: Pseudohypoparathyroidism Type IA; ALBRIGHT HEREDITARY OSTEODYSTROPHY WITH MULTIPLE HORMONE RESISTANCE; PHP IA; Pseudohypoparathyroidism type 1A; Pseudohypoparathyroidism Ia (PHP-Ia). Identifiers: Orphanet 79443, MedGen C3494506, MONDO:0007078, OMIM 103580.

Submissions (2):

GeneDx
Classification: Uncertain significance. Last evaluated: 2025-10-06. Review status: criteria provided, single submitter. Criteria: GeneDx Variant Classification Process June 2021. Collection method: clinical testing. Allele origin: germline. Affected: yes.
Comment: Not observed at significant frequency in large population cohorts (gnomAD); In silico analysis supports that this missense variant has a deleterious effect on protein structure/function; Has not been previously published as pathogenic or benign to our knowledge

Fulgent Genetics
Classification: Uncertain significance for Pseudohypoparathyroidism type I A; Progressive osseous heteroplasia; McCune-Albright syndrome; ACTH-independent macronodular adrenal hyperplasia 1; Pseudohypoparathyroidism type 1B; Pseudohypoparathyroidism type 1C; Pseudopseudohypoparathyroidism; Pituitary adenoma 3, multiple types. Last evaluated: 2024-05-18. Review status: criteria provided, single submitter. Criteria: ACMG Guidelines, 2015. Collection method: clinical testing. Allele origin: germline.

NM_000516.7(GNAS):c.112C>T (p.Arg38Trp)

Gene: GNAS (GNAS complex locus; plus strand). Cytogenetic location: 20q13.32.
Variant type: single nucleotide variant.
Coding change: c.112C>T on transcript NM_000516.7 (MANE Select); coding-DNA position 112, C replaced by T.
Protein change: p.Arg38Trp; replaces arginine 38 with tryptophan.
Molecular consequence: missense variant. On other transcripts: intron variant (8).
Genome position (GRCh38, 1-based): chr20:58,891,838, C>T. VCF-style: chr20-58891838-C-T. GRCh37 (hg19) VCF-style: chr20-57466893-C-T.
Other names: c.112C>T, p.Arg38Trp (NM_001077488.5, NM_001077489.4, NM_001309842.2 and 1 more transcripts); c.*43-3774C>T (NM_016592.5); c.44-3774C>T (NM_001410912.1); c.-38-3774C>T (NM_001309861.2); c.*1-3774C>T (NM_001077490.3); c.2069-3774C>T (NM_080425.4, NM_001410913.1); c.*159-3774C>T (NM_001309883.1); c.-39+2485C>T (NM_001309840.2); and 1 more; short protein forms R38W.
Identifiers: ClinVar variation 3587586 (VCV003587586.3).